The following is an entry in ClinVar:

ClinVar aggregate classification (germline): Conflicting classifications of pathogenicity. Review status: criteria provided, conflicting classifications (1 of 4 stars). 3 submissions from 3 submitters: Uncertain significance (1); Benign (1). 1 of the submissions does not count toward it. Last evaluated 2025-10-06.

Conditions:
ROR2-related disorder. Also called: ROR2-related condition; ROR2-related disorders.

Allele frequency attached by ClinVar (database versions not stated): gnomAD exomes 0.00008 and 0.00019; ExAC 0.00018; 1000 Genomes Project 0.00060; 1000 Genomes Project 30x 0.00062; ESP Exome Variant Server 0.00077; gnomAD 0.00077 and 0.00086; TOPMed 0.00097.
gnomAD v4.1: 233 of 1,612,188 alleles (0.014%); highest among the groups gnomAD compares: African/African-American, 0.25%; 1 homozygote.

Submissions (3):

Labcorp Genetics (formerly Invitae), Labcorp
Classification: Benign. Last evaluated: 2025-10-06. Review status: criteria provided, single submitter. Criteria: Invitae Variant Classification Sherloc (09022015). Collection method: clinical testing. Allele origin: germline.

Eurofins Ntd Llc (ga)
Classification: Uncertain significance. Last evaluated: 2017-02-21. Review status: criteria provided, single submitter. Criteria: EGL Classification Definitions 2015. Collection method: clinical testing. Allele origin: germline. Observed: 2 variant alleles, 2 heterozygotes.

PreventionGenetics, part of Exact Sciences
Classification: Likely benign for ROR2-related condition. Last evaluated: 2022-04-04. Review status: no assertion criteria provided. Collection method: clinical testing. Allele origin: germline. Not counted in ClinVar's aggregate classification.
Comment: This variant is classified as likely benign based on ACMG/AMP sequence variant interpretation guidelines (Richards et al. 2015 PMID: 25741868, with internal and published modifications).

NM_004560.4(ROR2):c.2461G>A (p.Val821Ile)

Gene: ROR2 (ROR family WNT receptor 2; minus strand). Cytogenetic location: 9q22.31.
Variant type: single nucleotide variant.
Coding change: c.2461G>A on transcript NM_004560.4 (MANE Select); coding-DNA position 2461, G replaced by A.
Protein change: p.Val821Ile; replaces valine 821 with isoleucine.
Molecular consequence: missense variant.
Genome position (GRCh38, 1-based): chr9:91,724,033, C>T on the plus strand (G>A on the coding strand, the complement: ROR2 is on the minus strand). VCF-style: chr9-91724033-C-T. GRCh37 (hg19) VCF-style: chr9-94486315-C-T.
Other names: c.2461G>A (NM_004560.3); short protein forms V821I.
Identifiers: ClinVar variation 500279 (VCV000500279.15), dbSNP rs149056068, ClinGen allele CA5120389.